The following is an entry in ClinVar:

ClinVar aggregate classification (germline): Likely benign (0 of 4 stars; one submission).

Conditions:
CEP290-related disorder. Also called: CEP290-related condition; CEP290-related disorders. Identifiers: MedGen CN239314.

Submission:

PreventionGenetics, part of Exact Sciences
Classification: Likely benign for CEP290-related condition. Last evaluated: 2023-01-27. Review status: no assertion criteria provided. Collection method: clinical testing. Allele origin: germline.
Comment: This variant is classified as likely benign based on ACMG/AMP sequence variant interpretation guidelines (Richards et al. 2015 PMID: 25741868, with internal and published modifications).

NM_025114.4(CEP290):c.2034C>T (p.Ser678=)

Gene: CEP290 (centrosomal protein 290; minus strand). Cytogenetic location: 12q21.32.
Variant type: single nucleotide variant.
Coding change: c.2034C>T on transcript NM_025114.4 (MANE Select); coding-DNA position 2034, C replaced by T.
Protein change: p.Ser678=; no amino-acid change (serine 678 retained).
Molecular consequence: synonymous variant.
Genome position (GRCh38, 1-based): chr12:88,114,438, G>A on the plus strand (C>T on the coding strand, the complement: CEP290 is on the minus strand). VCF-style: chr12-88114438-G-A. GRCh37 (hg19) VCF-style: chr12-88508215-G-A.
Identifiers: ClinVar variation 3351342 (VCV003351342.1).